The following is an entry in ClinVar:

NM_033028.5(BBS4):c.14G>C (p.Arg5Thr)

Gene: BBS4 (Bardet-Biedl syndrome 4; plus strand). Cytogenetic location: 15q24.1.
Variant type: single nucleotide variant.
Coding change: c.14G>C on transcript NM_033028.5 (MANE Select); coding-DNA position 14, G replaced by C.
Protein change: p.Arg5Thr; replaces arginine 5 with threonine.
Molecular consequence: missense variant. On other transcripts: 5 prime UTR variant (1), non-coding transcript variant (2).
Genome position (GRCh38, 1-based): chr15:72,686,241, G>C. VCF-style: chr15-72686241-G-C. GRCh37 (hg19) VCF-style: chr15-72978582-G-C.
Other names: c.-456G>C (NM_001252678.2); c.14G>C, p.Arg5Thr (NM_001320665.2); c.14G>C (NM_033028.4); short protein forms R5T.
Identifiers: ClinVar variation 1426835 (VCV001426835.4), dbSNP rs1307094685, ClinGen allele CA393075035.

ClinVar aggregate classification (germline): Uncertain significance. Review status: criteria provided, multiple submitters, no conflicts (2 of 4 stars). 2 submissions from 2 submitters: Uncertain significance (2). Last evaluated 2025-11-11.

Conditions:
BBS4-related disorder. Also called: BBS4-related condition.
Bardet-Biedl syndrome (BBS). Identifiers: Orphanet 110, MedGen C0752166, MONDO:0015229.

Allele frequency attached by ClinVar (database versions not stated): gnomAD exomes below 0.00001 and 0.00001.
gnomAD v4.1: 1 of 1,565,974 alleles (0.000064%); highest among the groups gnomAD compares: African/African-American, 0.0014%; no homozygotes.

Submissions (2):

PreventionGenetics, part of Exact Sciences
Classification: Uncertain significance for BBS4-related condition. Last evaluated: 2025-11-11. Review status: criteria provided, single submitter. Criteria: ACMG Guidelines, 2015. Collection method: clinical testing. Allele origin: germline.
Comment: The BBS4 c.14G>C variant is predicted to result in the amino acid substitution p.Arg5Thr. To our knowledge, this variant has not been reported in the literature. This variant is reported in 0.0097% of alleles in individuals of African descent in gnomAD. At this time, the clinical significance of this variant is uncertain due to the absence of conclusive functional and genetic evidence.

Labcorp Genetics (formerly Invitae), Labcorp
Classification: Uncertain significance for Bardet-Biedl syndrome. Last evaluated: 2022-04-26. Review status: criteria provided, single submitter. Criteria: Invitae Variant Classification Sherloc (09022015). Collection method: clinical testing. Allele origin: germline.
Comment: This sequence change replaces arginine, which is basic and polar, with threonine, which is neutral and polar, at codon 5 of the BBS4 protein (p.Arg5Thr). This variant is present in population databases (no rsID available, gnomAD 0.01%). This variant has not been reported in the literature in individuals affected with BBS4-related conditions. Algorithms developed to predict the effect of missense changes on protein structure and function output the following: SIFT: "Tolerated"; PolyPhen-2: "Benign"; Align-GVGD: "Class C0". The threonine amino acid residue is found in multiple mammalian species, which suggests that this missense change does not adversely affect protein function. In summary, the available evidence is currently insufficient to determine the role of this variant in disease. Therefore, it has been classified as a Variant of Uncertain Significance.